The following is an entry in ClinVar:

ClinVar aggregate classification (germline): Uncertain significance. Review status: criteria provided, multiple submitters, no conflicts (2 of 4 stars). 2 submissions from 2 submitters: Uncertain significance (2). Last evaluated 2024-01-02.

Conditions:
Inborn genetic diseases. Identifiers: MedGen C0950123, MeSH D030342.

Allele frequency attached by ClinVar (database versions not stated): gnomAD exomes below 0.00001.

Submissions (2):

Ambry Genetics
Classification: Uncertain significance for Inborn genetic diseases. Last evaluated: 2024-01-02. Review status: criteria provided, single submitter. Criteria: Ambry Variant Classification Scheme 2023. Collection method: clinical testing. Allele origin: germline.

Labcorp Genetics (formerly Invitae), Labcorp
Classification: Uncertain significance. Last evaluated: 2023-06-15. Review status: criteria provided, single submitter. Criteria: Invitae Variant Classification Sherloc (09022015). Collection method: clinical testing. Allele origin: germline.
Comment: In summary, the available evidence is currently insufficient to determine the role of this variant in disease. Therefore, it has been classified as a Variant of Uncertain Significance. An algorithm developed to predict the effect of missense changes on protein structure and function (PolyPhen-2) suggests that this variant is likely to be disruptive. This variant has not been reported in the literature in individuals affected with AP3D1-related conditions. This sequence change replaces arginine, which is basic and polar, with lysine, which is basic and polar, at codon 163 of the AP3D1 protein (p.Arg163Lys). The frequency data for this variant in the population databases is considered unreliable, as metrics indicate poor data quality at this position in the gnomAD database.

NM_001261826.3(AP3D1):c.488G>A (p.Arg163Lys)

Gene: AP3D1 (adaptor related protein complex 3 subunit delta 1; minus strand). Cytogenetic location: 19p13.3.
Variant type: single nucleotide variant.
Coding change: c.488G>A on transcript NM_001261826.3 (MANE Select); coding-DNA position 488, G replaced by A.
Protein change: p.Arg163Lys; replaces arginine 163 with lysine.
Molecular consequence: missense variant.
Genome position (GRCh38, 1-based): chr19:2,130,512, C>T on the plus strand (G>A on the coding strand, the complement: AP3D1 is on the minus strand). VCF-style: chr19-2130512-C-T. GRCh37 (hg19) VCF-style: chr19-2130511-C-T.
Other names: c.488G>A, p.Arg163Lys (NM_001374799.1, NM_003938.8); c.488G>A (NM_003938.5); short protein forms R163K.
Identifiers: ClinVar variation 2789968 (VCV002789968.4), dbSNP rs1265595789, ClinGen allele CA403228404.
Genomic context (GRCh38, chr19:2,130,512, plus strand): 5'-GGGCGCAGCGACTCGGGGTACTTCAGGAACACCTTGTACATGATCAGCACAGCCTTCTTC[C>T]TGATGTAGGGCTTGGTGTGTGACATCTGCGGGGCAGCGGGCTTCAGCCTGCGCGGGCTTT-3'
Protein context (NP_001248755.1, residues 153-173): TLMSHTKPYI[Arg163Lys]KKAVLIMYKV